The following is an entry in ClinVar:

ClinVar aggregate classification (germline): Uncertain significance (1 of 4 stars; one submission).

Allele frequency attached by ClinVar (database versions not stated): gnomAD 0.00001; gnomAD exomes 0.00002; TOPMed 0.00002; ExAC 0.00005.
gnomAD v4.1: 36 of 1,601,326 alleles (0.0022%); highest among the groups gnomAD compares: South Asian, 0.0045%; no homozygotes.

Submission:

CeGaT Center for Human Genetics Tuebingen
Classification: Uncertain significance. Last evaluated: 2024-05-01. Review status: criteria provided, single submitter. Criteria: CeGaT Center For Human Genetics Tuebingen Variant Classification Criteria Version 2. Collection method: clinical testing. Allele origin: germline. Affected: yes. Observed: 1 variant allele.
Comment: PIK3R5: PM2, BP4

NM_001142633.3(PIK3R5):c.1633C>T (p.Arg545Cys)

Gene: PIK3R5 (phosphoinositide-3-kinase regulatory subunit 5; minus strand). Cytogenetic location: 17p13.1.
Variant type: single nucleotide variant.
Coding change: c.1633C>T on transcript NM_001142633.3 (MANE Select); coding-DNA position 1633, C replaced by T.
Protein change: p.Arg545Cys; replaces arginine 545 with cysteine.
Molecular consequence: missense variant.
Genome position (GRCh38, 1-based): chr17:8,887,667, G>A on the plus strand (C>T on the coding strand, the complement: PIK3R5 is on the minus strand). VCF-style: chr17-8887667-G-A. GRCh37 (hg19) VCF-style: chr17-8790984-G-A.
Other names: c.475C>T, p.Arg159Cys (NM_001388399.1, NM_001388400.1, NM_001251851.2 and 5 more transcripts); c.1633C>T, p.Arg545Cys (NM_014308.4, NM_001388396.1); short protein forms R159C, R545C.
Identifiers: ClinVar variation 3239268 (VCV003239268.19), dbSNP rs764005691.